The following is an entry in ClinVar:

ClinVar aggregate classification (germline): Likely pathogenic. Review status: criteria provided, single submitter (1 of 4 stars). 2 submissions from 2 submitters: Likely pathogenic (1). 1 of the submissions does not count toward it. Last evaluated 2021-06-03.

Conditions:
Hereditary spastic paraplegia 4. Also called: Spastic paraplegia 4, autosomal dominant; Spastic Paraplegia 4; Familial spastic paraplegia autosomal dominant 2. Identifiers: Orphanet 100985, MedGen C1866855, MONDO:0008438, OMIM 182601.
SPAST-related disorder. Also called: SPAST-related condition.

Submissions (3):

Labcorp Genetics (formerly Invitae), Labcorp
Classification: Likely pathogenic for Hereditary spastic paraplegia 4. Last evaluated: 2021-06-03. Review status: criteria provided, single submitter. Criteria: Invitae Variant Classification Sherloc (09022015). Collection method: clinical testing. Allele origin: germline.
Comment: This variant has not been reported in the literature in individuals with SPAST-related conditions. This sequence change replaces glycine with valine at codon 546 of the SPAST protein (p.Gly546Val). The glycine residue is highly conserved and there is a moderate physicochemical difference between glycine and valine. This variant is not present in population databases (ExAC no frequency). Advanced modeling of protein sequence and biophysical properties (such as structural, functional, and spatial information, amino acid conservation, physicochemical variation, residue mobility, and thermodynamic stability) performed at Invitae indicates that this missense variant is expected to disrupt SPAST protein function. Algorithms developed to predict the effect of sequence changes on RNA splicing suggest that this variant may create or strengthen a splice site, but this prediction has not been confirmed by published transcriptional studies. This variant disrupts the p.Gly546 amino acid residue in SPAST. Other variant(s) that disrupt this residue have been determined to be pathogenic (Invitae). This suggests that this residue is clinically significant, and that variants that disrupt this residue are likely to be disease-causing. In summary, the currently available evidence indicates that the variant is pathogenic, but additional data are needed to prove that conclusively. Therefore, this variant has been classified as Likely Pathogenic.

PreventionGenetics, part of Exact Sciences
Classification: Uncertain significance for SPAST-related condition. Last evaluated: 2024-03-23. Review status: no assertion criteria provided. Collection method: clinical testing. Allele origin: germline. Not counted in ClinVar's aggregate classification.
Comment: The SPAST c.1637G>T variant is predicted to result in the amino acid substitution p.Gly546Val. To our knowledge, this variant has not been reported in the literature or in a large population database, indicating this variant is rare. However, a different amino acid change at this position (p.Gly546Arg) was previously reported as de novo in an individual with spastic paraplegia (Polymeris et al. 2016. PubMedID: 27260292). Although we suspect that c.1637G>T (p.Gly546Val) may be pathogenic, the clinical significance of this variant is currently classified as uncertain due to the absence of conclusive functional and genetic evidence.

Dr. Peter K. Rogan Lab, Western University
No classification provided (evidence only). Condition: Melanoma. Review status: no classification provided. Collection method: in vitro. Allele origin: not applicable. Functional consequence: retained intron. Not counted in ClinVar's aggregate classification.

NM_014946.4(SPAST):c.1637G>T (p.Gly546Val)

Gene: SPAST (spastin; plus strand). Cytogenetic location: 2p22.3.
Variant type: single nucleotide variant.
Coding change: c.1637G>T on transcript NM_014946.4 (MANE Select); coding-DNA position 1637, G replaced by T.
Protein change: p.Gly546Val; replaces glycine 546 with valine.
Molecular consequence: missense variant. On other transcripts: intron variant (1).
Genome position (GRCh38, 1-based): chr2:32,144,957, G>T. VCF-style: chr2-32144957-G-T. GRCh37 (hg19) VCF-style: chr2-32370026-G-T.
Other names: c.1637G>T (NM_014946.3); c.1634G>T, p.Gly545Val (NM_001363823.2); c.1538G>T, p.Gly513Val (NM_001363875.2); c.1541G>T, p.Gly514Val (NM_199436.2); c.1520+1542G>T (NM_001377959.1); short protein forms G514V, G546V, G545V, G513V.
Identifiers: ClinVar variation 1474013 (VCV001474013.10), dbSNP rs786204057, ClinGen allele CA346504194.
Genomic context (GRCh38, chr2:32,144,957, plus strand): 5'-GAGGGGAAATAATTTGCTGTTTCTTCCTTCCCTTCCTCAGAATGACTGATGGATACTCAG[G>T]AAGTGACCTAACAGCTTTGGCAAAAGATGCAGCACTGGGTCCTATCCGAGGTAGGTATAC-3'
Protein context (NP_055761.2, residues 536-556): QLARMTDGYS[Gly546Val]SDLTALAKDA